The following is an entry in ClinVar:

NM_000213.5(ITGB4):c.5257C>T (p.Gln1753Ter)

Genes: GALK1 (galactokinase 1; minus strand), ITGB4 (integrin subunit beta 4; plus strand). Cytogenetic location: 17q25.1.
Variant type: single nucleotide variant.
Coding change: c.5257C>T on transcript NM_000213.5 (MANE Select); coding-DNA position 5257, C replaced by T.
Protein change: p.Gln1753Ter; replaces glutamine 1753 with a stop codon.
Molecular consequence: nonsense. On other transcripts: intron variant (1).
Genome position (GRCh38, 1-based): chr17:75,757,238, C>T. VCF-style: chr17-75757238-C-T. GRCh37 (hg19) VCF-style: chr17-73753319-C-T.
Other names: c.5206C>T, p.Gln1736Ter (NM_001005619.2); c.5047C>T, p.Gln1683Ter (NM_001005731.3, NM_001321123.2); c.4897C>T, p.Gln1633Ter (NM_001438834.1); c.*22+796G>A (NM_001381985.1); short protein forms Q1736*, Q1753*, Q1683*, Q1633*.
Identifiers: ClinVar variation 3002284 (VCV003002284.4), dbSNP rs2061536929, ClinGen allele CA401094299.

ClinVar aggregate classification (germline): Pathogenic/Likely pathogenic. Review status: criteria provided, multiple submitters, no conflicts (2 of 4 stars). 2 submissions from 2 submitters: Pathogenic (1); Likely pathogenic (1). Last evaluated 2024-05-13.

Conditions:
Epidermolysis bullosa, junctional 5A, intermediate. Also called: EPIDERMOLYSIS BULLOSA, JUNCTIONAL 5A, GENERALIZED INTERMEDIATE; EPIDERMOLYSIS BULLOSA, JUNCTIONAL 5A, NON-HERLITZ TYPE. Identifiers: MedGen C5676956, MONDO:0030768, OMIM 619816.
Junctional epidermolysis bullosa with pyloric atresia. Also called: Epidermolysis bullosa, junctional, with pyloric atresia and aplasia cutis congenita; Epidermolysis bullosa junctionalis with pyloric atresia; EPIDERMOLYSIS BULLOSA, JUNCTIONAL 5B, WITH PYLORIC ATRESIA; EB-PA-ACC; APLASIA CUTIS CONGENITA WITH GASTROINTESTINAL ATRESIA; CARMI SYNDROME. Identifiers: Orphanet 79403, MedGen C5676875, MONDO:0009183, OMIM 226730.

Allele frequency attached by ClinVar (database versions not stated): gnomAD exomes below 0.00001; TOPMed below 0.00001.
gnomAD v4.1: 3 of 1,611,992 alleles (0.00019%); highest among the groups gnomAD compares: Middle Eastern, 0.016%; no homozygotes.

Submissions (2):

Fulgent Genetics
Classification: Likely pathogenic for Junctional epidermolysis bullosa with pyloric atresia; Epidermolysis bullosa, junctional 5A, intermediate. Last evaluated: 2024-05-13. Review status: criteria provided, single submitter. Criteria: ACMG Guidelines, 2015. Collection method: clinical testing. Allele origin: germline.

Labcorp Genetics (formerly Invitae), Labcorp
Classification: Pathogenic. Last evaluated: 2023-09-06. Review status: criteria provided, single submitter. Criteria: Invitae Variant Classification Sherloc (09022015). Collection method: clinical testing. Allele origin: germline.
Comment: This sequence change creates a premature translational stop signal (p.Gln1683*) in the ITGB4 gene. It is expected to result in an absent or disrupted protein product. Loss-of-function variants in ITGB4 are known to be pathogenic (PMID: 11328943, 16473856). For these reasons, this variant has been classified as Pathogenic. This variant has not been reported in the literature in individuals affected with ITGB4-related conditions. This variant is not present in population databases (gnomAD no frequency).

Literature cited by the submitters: PubMed 11328943 (cited by Labcorp Genetics (formerly Invitae), Labcorp); PubMed 16473856 (cited by Labcorp Genetics (formerly Invitae), Labcorp).